The following is an entry in ClinVar:

NM_012301.4(MAGI2):c.419-88C>A

Gene: MAGI2 (membrane associated guanylate kinase, WW and PDZ domain containing 2; minus strand). Cytogenetic location: 7q21.11.
Variant type: single nucleotide variant.
Coding change: c.419-88C>A on transcript NM_012301.4 (MANE Select); 88 bases into the intron before coding-DNA position 419, C replaced by A.
Molecular consequence: intron variant.
Genome position (GRCh38, 1-based): chr7:78,627,327, G>T on the plus strand (C>A on the coding strand, the complement: MAGI2 is on the minus strand). VCF-style: chr7-78627327-G-T. GRCh37 (hg19) VCF-style: chr7-78256643-G-T.
Other names: c.419-88C>A (NM_001301128.2).
Identifiers: ClinVar variation 1280523 (VCV001280523.4), dbSNP rs38117, ClinGen allele CA12591003.

ClinVar aggregate classification (germline): Benign. Review status: criteria provided, multiple submitters, no conflicts (2 of 4 stars). 3 submissions from 3 submitters: Benign (3). Last evaluated 2024-07-31.

Allele frequency attached by ClinVar (database versions not stated): 1000 Genomes Project 0.55871; 1000 Genomes Project 30x 0.55887; gnomAD 0.60416; TOPMed 0.60728; gnomAD exomes 0.64069.
gnomAD v4.1: 772,632 of 1,215,514 alleles (64%); highest among the groups gnomAD compares: Middle Eastern, 73%; 248,137 homozygotes.

Submissions (3):

Unidad de Genómica Garrahan, Hospital de Pediatría Garrahan
Classification: Benign. Last evaluated: 2024-07-31. Review status: criteria provided, single submitter. Criteria: ACMG Guidelines, 2015. Collection method: clinical testing. Allele origin: germline. Affected: no. Observed: 59 variant alleles.
Comment: This variant is classified as Benign based on local population frequency. This variant was detected in 63% of patients studied in a panel designed for Epileptic and Developmental Encephalopathy, Progressive Myoclonus Epilepsy and Abnormal Movements and Neurodegeneration with brain iron accumulation. Number of patients: 59. Only high quality variants are reported.

GeneDx
Classification: Benign. Last evaluated: 2019-08-20. Review status: criteria provided, single submitter. Criteria: GeneDx Variant Classification Process June 2021. Collection method: clinical testing. Allele origin: germline. Affected: yes.

Breakthrough Genomics
Classification: Benign. Review status: criteria provided, single submitter. Criteria: ACMG Guidelines, 2015. Collection method: not provided. Allele origin: germline. Inheritance: Autosomal recessive inheritance. Affected: yes.